The following is an entry in ClinVar:

NM_001374736.1(DST):c.3577C>T (p.Leu1193Phe)

Gene: DST (dystonin; minus strand). Cytogenetic location: 6p12.1.
Variant type: single nucleotide variant.
Coding change: c.3577C>T on transcript NM_001374736.1 (MANE Select); coding-DNA position 3577, C replaced by T.
Protein change: p.Leu1193Phe; replaces leucine 1193 with phenylalanine.
Molecular consequence: missense variant.
Genome position (GRCh38, 1-based): chr6:56,634,176, G>A on the plus strand (C>T on the coding strand, the complement: DST is on the minus strand). VCF-style: chr6-56634176-G-A. GRCh37 (hg19) VCF-style: chr6-56498974-G-A.
Other names: c.3478C>T, p.Leu1160Phe (NM_001144769.5); c.3064C>T, p.Leu1022Phe (NM_001144770.2); c.3577C>T, p.Leu1193Phe (NM_001374722.1); c.2944C>T, p.Leu982Phe (NM_001374729.1, NM_001374730.1, NM_001386100.1 and 1 more transcripts); c.3604C>T, p.Leu1202Phe (NM_001374734.1); c.1966C>T, p.Leu656Phe (NM_001723.7, NM_015548.5); short protein forms L1022F, L1160F, L1193F, L1202F, L656F, L982F.
Identifiers: ClinVar variation 1329734 (VCV001329734.2), dbSNP rs1167020024, ClinGen allele CA364575618.

ClinVar aggregate classification (germline): Uncertain significance (1 of 4 stars; one submission).

gnomAD v4.1: 1 of 1,613,456 alleles (0.000062%); no homozygotes.

Submission:

GeneDx
Classification: Uncertain significance. Last evaluated: 2021-06-23. Review status: criteria provided, single submitter. Criteria: GeneDx Variant Classification Process June 2021. Collection method: clinical testing. Allele origin: germline. Affected: yes.
Comment: Not observed at significant frequency in large population cohorts (Lek et al., 2016); In silico analysis supports that this missense variant has a deleterious effect on protein structure/function; Has not been previously published as pathogenic or benign to our knowledge; This variant is associated with the following publications: (PMID: 27535533)